The following is an entry in ClinVar:

NM_033100.4(CDHR1):c.364G>A (p.Val122Met)

Gene: CDHR1 (cadherin related family member 1; plus strand). Cytogenetic location: 10q23.1.
Variant type: single nucleotide variant.
Coding change: c.364G>A on transcript NM_033100.4 (MANE Select); coding-DNA position 364, G replaced by A.
Protein change: p.Val122Met; replaces valine 122 with methionine.
Molecular consequence: missense variant.
Genome position (GRCh38, 1-based): chr10:84,199,047, G>A. VCF-style: chr10-84199047-G-A. GRCh37 (hg19) VCF-style: chr10-85958803-G-A.
Other names: c.364G>A, p.Val122Met (NM_001171971.3); short protein forms V122M.
Identifiers: ClinVar variation 301214 (VCV000301214.13), dbSNP rs886047324, ClinGen allele CA10629253.

ClinVar aggregate classification (germline): Uncertain significance. Review status: criteria provided, multiple submitters, no conflicts (2 of 4 stars). 3 submissions from 3 submitters: Uncertain significance (3). Last evaluated 2022-06-09.

Conditions:
Cone-rod dystrophy 15 (CORD15). Identifiers: MedGen C3150912, MONDO:0013348, OMIM 613660.

Allele frequency attached by ClinVar (database versions not stated): gnomAD 0.00001 and 0.00003; gnomAD exomes 0.00002; TOPMed 0.00003.
gnomAD v4.1: 24 of 1,551,664 alleles (0.0015%); highest among the groups gnomAD compares: Middle Eastern, 0.067%; no homozygotes.

Submissions (3):

Labcorp Genetics (formerly Invitae), Labcorp
Classification: Uncertain significance. Last evaluated: 2022-06-09. Review status: criteria provided, single submitter. Criteria: Invitae Variant Classification Sherloc (09022015). Collection method: clinical testing. Allele origin: germline.
Comment: This sequence change replaces valine, which is neutral and non-polar, with methionine, which is neutral and non-polar, at codon 122 of the CDHR1 protein (p.Val122Met). This variant is present in population databases (no rsID available, gnomAD 0.02%). This variant has not been reported in the literature in individuals affected with CDHR1-related conditions. ClinVar contains an entry for this variant (Variation ID: 301214). Advanced modeling of protein sequence and biophysical properties (such as structural, functional, and spatial information, amino acid conservation, physicochemical variation, residue mobility, and thermodynamic stability) performed at Invitae indicates that this missense variant is not expected to disrupt CDHR1 protein function. In summary, the available evidence is currently insufficient to determine the role of this variant in disease. Therefore, it has been classified as a Variant of Uncertain Significance.

Blueprint Genetics
Classification: Uncertain significance. Last evaluated: 2022-04-13. Review status: criteria provided, single submitter. Criteria: ACMG Guidelines, 2015. Collection method: clinical testing. Allele origin: germline.

Illumina Laboratory Services, Illumina
Classification: Uncertain significance for Cone-rod dystrophy 15. Last evaluated: 2018-01-13. Review status: criteria provided, single submitter. Criteria: ICSL Variant Classification Criteria 13 December 2019. Collection method: clinical testing. Allele origin: germline.